The following is an entry in ClinVar:

ClinVar aggregate classification (germline): Benign/Likely benign. Review status: criteria provided, multiple submitters, no conflicts (2 of 4 stars). 11 submissions from 10 submitters: Benign (7); Likely benign (3). 1 of the submissions does not count toward it. Last evaluated 2026-01-26.

Conditions:
Hereditary cancer-predisposing syndrome. Also called: Tumor predisposition; Neoplastic Syndromes, Hereditary; Hereditary neoplastic syndrome; Hereditary Cancer Syndrome. Identifiers: Orphanet 140162, MedGen C0027672, MeSH D009386, MONDO:0015356.
Nijmegen breakage syndrome-like disorder (NBSLD). Also called: MICROCEPHALY AND SPONTANEOUS CHROMOSOME INSTABILITY WITHOUT IMMUNODEFICIENCY; NBS-LIKE DISORDER; RAD50 DEFICIENCY. Identifiers: Orphanet 240760, MedGen C2751318, MONDO:0013118, OMIM 613078.
Familial cancer of breast. Also called: BREAST CANCER, FAMILIAL; hereditary breast carcinoma; Hereditary breast cancer. Identifiers: Orphanet 227535, MedGen C0346153, MONDO:0016419, OMIM 114480. Disease mechanism: loss of function.

Allele frequency attached by ClinVar (database versions not stated): 1000 Genomes Project 30x 0.00593; gnomAD exomes 0.00063 and 0.00145; ExAC 0.00176; gnomAD 0.00439 and 0.00469; ESP Exome Variant Server 0.00454; TOPMed 0.00487; 1000 Genomes Project 0.00519.
gnomAD v4.1: 1,630 of 1,612,294 alleles (0.1%); highest among the groups gnomAD compares: African/African-American, 1.5%; 9 homozygotes.

Submissions (11):

Labcorp Genetics (formerly Invitae), Labcorp
Classification: Benign for Hereditary cancer-predisposing syndrome. Last evaluated: 2026-01-26. Review status: criteria provided, single submitter. Criteria: Invitae Variant Classification Sherloc (09022015). Collection method: clinical testing. Allele origin: germline.

Quest Diagnostics Nichols Institute San Juan Capistrano
Classification: Benign. Last evaluated: 2025-07-08. Review status: criteria provided, single submitter. Criteria: Quest Diagnostics criteria. Collection method: clinical testing. Allele origin: unknown.

KCCC/NGS Laboratory, Kuwait Cancer Control Center
Classification: Benign for Nijmegen breakage syndrome-like disorder. Last evaluated: 2025-02-01. Review status: criteria provided, single submitter. Criteria: ACMG Guidelines, 2015. Collection method: clinical testing. Allele origin: germline. Affected: no.

KCCC/NGS Laboratory, Kuwait Cancer Control Center
Classification: Benign for Familial cancer of breast. Last evaluated: 2023-07-07. Review status: criteria provided, single submitter. Criteria: ACMG Guidelines, 2015. Collection method: clinical testing. Allele origin: germline. Affected: yes.

Center for Pediatric Genomic Medicine, Children's Mercy Hospital and Clinics
Classification: Likely benign. Last evaluated: 2017-01-24. Review status: criteria provided, single submitter. Criteria: ACMG Guidelines, 2015. Collection method: clinical testing. Allele origin: germline.
ClinVar note: Converted during submission from Likely Benign to Likely benign.

Women's Health and Genetics/Laboratory Corporation of America, LabCorp
Classification: Benign. Last evaluated: 2016-08-29. Review status: criteria provided, single submitter. Criteria: LabCorp Variant Classification Summary - May 2015. Collection method: clinical testing. Allele origin: germline.
Comment: Variant summary: The RAD50 c.572C>T (p.Thr191Ile) variant involves the alteration of a conserved nucleotide. 3/3 in silico tools predict a damaging outcome for this variant; however they are not definitive and the predictions have yet to be confirmed by published functional studies. This variant was found in 210/119642 control chromosomes (1 homozygote), predominantly observed in the African subpopulation at a frequency of 0.0147207 (146/9918). This frequency is about 236 times the estimated maximal expected allele frequency of a pathogenic RAD50 variant (0.0000625), suggesting this is likely a benign polymorphism found primarily in the populations of African origin. A large case-control study that used 2,984 breast cancer cases and 7,545 controls did not find an elevated risk for breast cancer due to this variant; instead, a protective effect was observed (OR: 0.44; p=0.0069) (Haiman_2013). In addition, multiple clinical diagnostic laboratories have classified this variant as benign/likely benign. Taken together, this variant is classified as Benign.

Genetic Services Laboratory, University of Chicago
Classification: Likely benign. Last evaluated: 2014-12-11. Review status: criteria provided, single submitter. Criteria: ACMG Guidelines, 2015. Collection method: clinical testing. Allele origin: germline.

Ambry Genetics
Classification: Benign for Hereditary cancer-predisposing syndrome. Last evaluated: 2014-07-25. Review status: criteria provided, single submitter. Criteria: Ambry Variant Classification Scheme 2023. Collection method: clinical testing. Allele origin: germline.

GeneDx
Classification: Benign. Last evaluated: 2013-12-02. Review status: criteria provided, single submitter. Criteria: GeneDx Variant Classification (06012015). Collection method: clinical testing. Allele origin: germline. Affected: yes.
Comment: This variant is considered likely benign or benign based on one or more of the following criteria: it is a conservative change, it occurs at a poorly conserved position in the protein, it is predicted to be benign by multiple in silico algorithms, and/or has population frequency not consistent with disease.

Breakthrough Genomics
Classification: Likely benign. Review status: criteria provided, single submitter. Criteria: ACMG Guidelines, 2015. Collection method: not provided. Allele origin: germline. Inheritance: Autosomal recessive inheritance. Affected: yes.

Counsyl
Classification: Benign for Nijmegen breakage syndrome-like disorder. Last evaluated: 2016-08-09. Review status: no assertion criteria provided. Collection method: clinical testing. Allele origin: unknown. Not counted in ClinVar's aggregate classification.

Literature cited by the submitters: PubMed 23555315 (cited by 3 submitters); PubMed 19584272 (cited by Quest Diagnostics Nichols Institute San Juan Capistrano and Women's Health and Genetics/Laboratory Corporation of America, LabCorp); PubMed 28591191 (cited by Quest Diagnostics Nichols Institute San Juan Capistrano).

NM_005732.4(RAD50):c.572C>T (p.Thr191Ile)

Gene: RAD50 (RAD50 double strand break repair protein; plus strand). Cytogenetic location: 5q31.1.
Variant type: single nucleotide variant.
Coding change: c.572C>T on transcript NM_005732.4 (MANE Select); coding-DNA position 572, C replaced by T.
Protein change: p.Thr191Ile; replaces threonine 191 with isoleucine.
Molecular consequence: missense variant.
Genome position (GRCh38, 1-based): chr5:132,579,882, C>T. VCF-style: chr5-132579882-C-T. GRCh37 (hg19) VCF-style: chr5-131915574-C-T.
Other names: p.T191I:ACA>ATA; short protein forms T191I.
Identifiers: ClinVar variation 37382 (VCV000037382.30), dbSNP rs2230017, ClinGen allele CA209861.